The following is an entry in ClinVar:

NM_003019.5(SFTPD):c.538A>G (p.Thr180Ala)

Gene: SFTPD (surfactant protein D; minus strand). Cytogenetic location: 10q22.3.
Variant type: single nucleotide variant.
Coding change: c.538A>G on transcript NM_003019.5 (MANE Select); coding-DNA position 538, A replaced by G.
Protein change: p.Thr180Ala; replaces threonine 180 with alanine.
Molecular consequence: missense variant.
Genome position (GRCh38, 1-based): chr10:79,941,966, T>C on the plus strand (A>G on the coding strand, the complement: SFTPD is on the minus strand). VCF-style: chr10-79941966-T-C. GRCh37 (hg19) VCF-style: chr10-81701722-T-C.
Other names: short protein forms T180A.
Identifiers: ClinVar variation 165215 (VCV000165215.12), dbSNP rs2243639, ClinGen allele CA177964.

ClinVar aggregate classification (germline): Benign. Review status: criteria provided, multiple submitters, no conflicts (2 of 4 stars). 4 submissions from 4 submitters: Benign (4). Last evaluated 2018-11-12.

Allele frequency attached by ClinVar (database versions not stated): gnomAD exomes 0.62122 and 0.65688; 1000 Genomes Project 0.77037; 1000 Genomes Project 30x 0.77342; ExAC 0.66350; gnomAD 0.71050 and 0.71180; ESP Exome Variant Server 0.71605; TOPMed 0.72269.
gnomAD v4.1: 1,013,063 of 1,605,800 alleles (63%); highest among the groups gnomAD compares: African/African-American, 93%; 325,312 homozygotes.

Submissions (4):

GeneDx
Classification: Benign. Last evaluated: 2018-11-12. Review status: criteria provided, single submitter. Criteria: GeneDx Variant Classification Process June 2021. Collection method: clinical testing. Allele origin: germline. Affected: yes.
Comment: This variant is associated with the following publications: (PMID: 30013576, 16741161, 21790524)

Eurofins Ntd Llc (ga)
Classification: Benign. Last evaluated: 2015-05-08. Review status: criteria provided, single submitter. Criteria: EGL Classification Definitions 2015. Collection method: clinical testing. Allele origin: germline. Observed: 1 variant allele, 1 homozygote.

Laboratory for Molecular Medicine, Mass General Brigham Personalized Medicine
Classification: Benign. Last evaluated: 2013-06-18. Review status: criteria provided, single submitter. Criteria: LMM Criteria. Collection method: clinical testing. Allele origin: germline. Observed: 110 variant alleles.
Comment: Benign based on population frequency. There are a few association studies that claim a role in diseases unrelated to germline pulmonary diseases

Breakthrough Genomics
Classification: Benign. Review status: criteria provided, single submitter. Criteria: ACMG Guidelines, 2015. Collection method: not provided. Allele origin: germline. Inheritance: Unknown mechanism. Affected: yes.